The following is an entry in ClinVar:

ClinVar aggregate classification (germline): Uncertain significance. Review status: criteria provided, multiple submitters, no conflicts (2 of 4 stars). 2 submissions from 2 submitters: Uncertain significance (2). Last evaluated 2026-02-28.

Conditions:
Hereditary pheochromocytoma and paraganglioma. Also called: Hereditary pheochromocytoma-paraganglioma; Hereditary Paraganglioma-Pheochromocytoma Syndromes; Hereditary paragangliomas and pheochromocytomas. Identifiers: Orphanet 29072, MedGen C4274332, MONDO:0017366.
Hereditary cancer-predisposing syndrome. Also called: Hereditary neoplastic syndrome; Hereditary Cancer Syndrome; Tumor predisposition; Neoplastic Syndromes, Hereditary. Identifiers: Orphanet 140162, MedGen C0027672, MeSH D009386, MONDO:0015356.

gnomAD v4.1: 1 of 1,614,210 alleles (0.000062%); no homozygotes.

Submissions (2):

Ambry Genetics
Classification: Uncertain significance for Hereditary cancer-predisposing syndrome. Last evaluated: 2026-02-28. Review status: criteria provided, single submitter. Criteria: Ambry Variant Classification Scheme 2023. Collection method: clinical testing. Allele origin: germline.
Comment: The p.S108N variant (also known as c.323G>A), located in coding exon 5 of the MAX gene, results from a G to A substitution at nucleotide position 323. The serine at codon 108 is replaced by asparagine, an amino acid with highly similar properties. This amino acid position is conserved. In addition, the in silico prediction for this alteration is inconclusive. Based on the available evidence, the clinical significance of this variant remains unclear.

Labcorp Genetics (formerly Invitae), Labcorp
Classification: Uncertain significance for Hereditary pheochromocytoma and paraganglioma. Last evaluated: 2025-09-24. Review status: criteria provided, single submitter. Criteria: Invitae Variant Classification Sherloc (09022015). Collection method: clinical testing. Allele origin: germline.
Comment: This sequence change replaces serine, which is neutral and polar, with asparagine, which is neutral and polar, at codon 108 of the MAX protein (p.Ser108Asn). This variant is not present in population databases (gnomAD no frequency). This variant has not been reported in the literature in individuals affected with MAX-related conditions. ClinVar contains an entry for this variant (Variation ID: 1000770). An algorithm developed to predict the effect of missense changes on protein structure and function (PolyPhen-2) suggests that this variant is likely to be tolerated. In summary, the available evidence is currently insufficient to determine the role of this variant in disease. Therefore, it has been classified as a Variant of Uncertain Significance.

NM_002382.5(MAX):c.323G>A (p.Ser108Asn)

Gene: MAX (MYC associated transcriptional regulator X; minus strand). Cytogenetic location: 14q23.3.
Variant type: single nucleotide variant.
Coding change: c.323G>A on transcript NM_002382.5 (MANE Select); coding-DNA position 323, G replaced by A.
Protein change: p.Ser108Asn; replaces serine 108 with asparagine.
Molecular consequence: missense variant. On other transcripts: 3 prime UTR variant (1), intron variant (2).
Genome position (GRCh38, 1-based): chr14:65,076,636, C>T on the plus strand (G>A on the coding strand, the complement: MAX is on the minus strand). VCF-style: chr14-65076636-C-T. GRCh37 (hg19) VCF-style: chr14-65543354-C-T.
Other names: c.134G>A, p.Ser45Asn (NM_001320415.2, NM_001407105.1, NM_001407106.1 and 1 more transcripts); c.323G>A, p.Ser108Asn (NM_001407094.1); c.296G>A, p.Ser99Asn (NM_001407095.1, NM_145112.3); c.*96G>A (NM_001407108.1, NM_001407096.1, NM_001407099.1 and 2 more transcripts); c.*112G>A (NM_001407109.1, NM_001407110.1, NM_145113.3 and 4 more transcripts); c.122G>A, p.Ser41Asn (NM_001407111.1, NM_001407112.1); c.144+17072G>A (NM_001271069.2); c.171+17072G>A (NM_197957.4); and 1 more; short protein forms S108N, S45N, S99N, S72N, S41N.
Identifiers: ClinVar variation 1000770 (VCV001000770.10), dbSNP rs2063065719, ClinGen allele CA390031912.
Genomic context (GRCh38, chr14:65,076,636, plus strand): 5'-CCCTTGGCGTTGGTGTAGAGGCTGTTGTCTGAGGAGGGGTAGTTGGTCTGCAGTTGGGCA[C>T]TTGACCTCGCCTTCTCCAGTGCACGGACTAAAAGGCAACCAAGGGAGTGTGTTACTGCCT-3'
Protein context (NP_002373.3, residues 98-118): QVRALEKARS[Ser108Asn]AQLQTNYPSS